The following is an entry in ClinVar:

NM_014423.4(AFF4):c.1630C>T (p.Arg544Cys)

Gene: AFF4 (ALF transcription elongation factor 4; minus strand). Cytogenetic location: 5q31.1.
Variant type: single nucleotide variant.
Coding change: c.1630C>T on transcript NM_014423.4 (MANE Select); coding-DNA position 1630, C replaced by T.
Protein change: p.Arg544Cys; replaces arginine 544 with cysteine.
Molecular consequence: missense variant.
Genome position (GRCh38, 1-based): chr5:132,897,000, G>A on the plus strand (C>T on the coding strand, the complement: AFF4 is on the minus strand). VCF-style: chr5-132897000-G-A. GRCh37 (hg19) VCF-style: chr5-132232692-G-A.
Other names: short protein forms R544C.
Identifiers: ClinVar variation 4699099 (VCV004699099.1).
Genomic context (GRCh38, chr5:132,897,000, plus strand): 5'-TGCCTACAGTTCTTCTCTGTGTTGTGCTGTCACTCTGTGCAGGAGATTTCTGCCTCCCAC[G>A]CCCACTTTCTGATCCCTTTTGGATGGTTTTGGAGTCTCGTCCCGGAGTAGCGGAACTCGT-3'
Protein context (NP_055238.1, residues 534-554): KTIQKGSESG[Arg544Cys]GRQKSPAQSD

ClinVar aggregate classification (germline): Uncertain significance (1 of 4 stars; one submission).

Conditions:
Cognitive impairment - coarse facies - heart defects - obesity - pulmonary involvement - short stature - skeletal dysplasia syndrome. Also called: COGNITIVE IMPAIRMENT, COARSE FACIES, HEART DEFECTS, OBESITY, PULMONARY INVOLVEMENT, SHORT STATURE, AND SKELETAL DYSPLASIA; Chops syndrome; AFF4-Related CHOPS Syndrome. Identifiers: Orphanet 444077, MedGen C4085597, MONDO:0014609, OMIM 616368.

Submission:

Labcorp Genetics (formerly Invitae), Labcorp
Classification: Uncertain significance for Cognitive impairment - coarse facies - heart defects - obesity - pulmonary involvement - short stature - skeletal dysplasia syndrome. Last evaluated: 2025-10-14. Review status: criteria provided, single submitter. Criteria: Invitae Variant Classification Sherloc (09022015). Collection method: clinical testing. Allele origin: germline.
Comment: This sequence change replaces arginine, which is basic and polar, with cysteine, which is neutral and slightly polar, at codon 544 of the AFF4 protein (p.Arg544Cys). This variant is present in population databases (no rsID available, gnomAD 0.002%). This variant has not been reported in the literature in individuals affected with AFF4-related conditions. Invitae Evidence Modeling of protein sequence and biophysical properties (such as structural, functional, and spatial information, amino acid conservation, physicochemical variation, residue mobility, and thermodynamic stability) indicates that this missense variant is expected to disrupt AFF4 protein function with a positive predictive value of 80%. In summary, the available evidence is currently insufficient to determine the role of this variant in disease. Therefore, it has been classified as a Variant of Uncertain Significance.